The following is an entry in ClinVar:

ClinVar aggregate classification (germline): Uncertain significance. Review status: criteria provided, multiple submitters, no conflicts (2 of 4 stars). 2 submissions from 2 submitters: Uncertain significance (2). Last evaluated 2025-05-08.

Conditions:
Short-rib thoracic dysplasia 8 with or without polydactyly (SRTD8). Also called: SHORT-RIB THORACIC DYSPLASIA 8 WITH POLYDACTYLY. Identifiers: Orphanet 93271, MedGen C3809691, MONDO:0014214, OMIM 615503.
Inborn genetic diseases. Identifiers: MedGen C0950123, MeSH D030342.

gnomAD v4.1: 27 of 1,612,738 alleles (0.0017%); highest among the groups gnomAD compares: Non-Finnish European, 0.0022%; no homozygotes.

Submissions (2):

Labcorp Genetics (formerly Invitae), Labcorp
Classification: Uncertain significance for Short-rib thoracic dysplasia 8 with or without polydactyly. Last evaluated: 2025-05-08. Review status: criteria provided, single submitter. Criteria: Invitae Variant Classification Sherloc (09022015). Collection method: clinical testing. Allele origin: germline.
Comment: This sequence change replaces glutamine, which is neutral and polar, with histidine, which is basic and polar, at codon 845 of the WDR60 protein (p.Gln845His). This variant is present in population databases (no rsID available, gnomAD 0.004%). This variant has not been reported in the literature in individuals affected with WDR60-related conditions. ClinVar contains an entry for this variant (Variation ID: 3506091). An algorithm developed to predict the effect of missense changes on protein structure and function outputs the following: PolyPhen-2: "Benign". The histidine amino acid residue is found in multiple mammalian species, which suggests that this missense change does not adversely affect protein function. In summary, the available evidence is currently insufficient to determine the role of this variant in disease. Therefore, it has been classified as a Variant of Uncertain Significance.

Ambry Genetics
Classification: Uncertain significance for Inborn genetic diseases. Last evaluated: 2024-08-20. Review status: criteria provided, single submitter. Criteria: Ambry Variant Classification Scheme 2023. Collection method: clinical testing. Allele origin: germline.

NM_018051.5(DYNC2I1):c.2535G>C (p.Gln845His)

Gene: DYNC2I1 (dynein 2 intermediate chain 1; plus strand). Cytogenetic location: 7q36.3.
Variant type: single nucleotide variant.
Coding change: c.2535G>C on transcript NM_018051.5 (MANE Select); coding-DNA position 2535, G replaced by C.
Protein change: p.Gln845His; replaces glutamine 845 with histidine.
Molecular consequence: missense variant.
Genome position (GRCh38, 1-based): chr7:158,930,504, G>C. VCF-style: chr7-158930504-G-C. GRCh37 (hg19) VCF-style: chr7-158723195-G-C.
Other names: c.2397G>C, p.Gln799His (NM_001350914.2); c.1962G>C, p.Gln654His (NM_001350915.2); c.1074G>C, p.Gln358His (NM_001350916.2); c.1287G>C, p.Gln429His (NM_001350917.2, NM_001350918.2); short protein forms Q358H, Q429H, Q654H, Q845H, Q799H.
Identifiers: ClinVar variation 3506091 (VCV003506091.2).